The following is an entry in ClinVar:

NM_020884.7(MYH7B):c.552G>A (p.Thr184=)

Gene: MYH7B (myosin heavy chain 7B; plus strand). Cytogenetic location: 20q11.22.
Variant type: single nucleotide variant.
Coding change: c.552G>A on transcript NM_020884.7 (MANE Select); coding-DNA position 552, G replaced by A.
Protein change: p.Thr184=; no amino-acid change (threonine 184 retained).
Molecular consequence: synonymous variant.
Genome position (GRCh38, 1-based): chr20:34,982,483, G>A. VCF-style: chr20-34982483-G-A. GRCh37 (hg19) VCF-style: chr20-33570286-G-A.
Identifiers: ClinVar variation 736655 (VCV000736655.9), dbSNP rs201701604, ClinGen allele CA9826510.

ClinVar aggregate classification (germline): Likely benign. Review status: criteria provided, single submitter (1 of 4 stars). 2 submissions from 2 submitters: Likely benign (1). 1 of the submissions does not count toward it. Last evaluated 2025-10-13.

Conditions:
MYH7B-related disorder. Also called: MYH7B-related condition.

Allele frequency attached by ClinVar (database versions not stated): TOPMed 0.00026; gnomAD exomes 0.00029 and 0.00065; gnomAD 0.00033; ExAC 0.00034; ESP Exome Variant Server 0.00048.
gnomAD v4.1: 973 of 1,613,818 alleles (0.06%); highest among the groups gnomAD compares: Non-Finnish European, 0.08%; 1 homozygote.

Submissions (2):

Labcorp Genetics (formerly Invitae), Labcorp
Classification: Likely benign. Last evaluated: 2025-10-13. Review status: criteria provided, single submitter. Criteria: Invitae Variant Classification Sherloc (09022015). Collection method: clinical testing. Allele origin: germline.

PreventionGenetics, part of Exact Sciences
Classification: Likely benign for MYH7B-related condition. Last evaluated: 2024-08-23. Review status: no assertion criteria provided. Collection method: clinical testing. Allele origin: germline. Not counted in ClinVar's aggregate classification.
Comment: This variant is classified as likely benign based on ACMG/AMP sequence variant interpretation guidelines (Richards et al. 2015 PMID: 25741868, with internal and published modifications).